The following is an entry in ClinVar:

NM_001122769.3(LCA5):c.1601G>A (p.Gly534Glu)

Gene: LCA5 (lebercilin LCA5; minus strand). Cytogenetic location: 6q14.1.
Variant type: single nucleotide variant.
Coding change: c.1601G>A on transcript NM_001122769.3 (MANE Select); coding-DNA position 1601, G replaced by A.
Protein change: p.Gly534Glu; replaces glycine 534 with glutamic acid.
Molecular consequence: missense variant.
Genome position (GRCh38, 1-based): chr6:79,487,497, C>T on the plus strand (G>A on the coding strand, the complement: LCA5 is on the minus strand). VCF-style: chr6-79487497-C-T. GRCh37 (hg19) VCF-style: chr6-80197214-C-T.
Other names: c.1601G>A, p.Gly534Glu (NM_181714.4); short protein forms G534E.
Identifiers: ClinVar variation 1427031 (VCV001427031.5), dbSNP rs1394586743, ClinGen allele CA364639822.
Genomic context (GRCh38, chr6:79,487,497, plus strand): 5'-CCAAATGCGAACTCATTAGGGGAGGCTGGACTTCTAACATTTCCTGAATTCTGACCTTCT[C>T]CTTTTGGAGTTGAGAAACTGATGTCTTGCAAATGATGCCCATTAAATAATCTCTCTGAGG-3'
Protein context (NP_001116241.1, residues 524-544): LQDISFSTPK[Gly534Glu]EGQNSGNVRS

ClinVar aggregate classification (germline): Uncertain significance (1 of 4 stars; one submission).

Allele frequency attached by ClinVar (database versions not stated): TOPMed 0.00001.
gnomAD v4.1: 8 of 1,614,000 alleles (0.0005%); highest among the groups gnomAD compares: Non-Finnish European, 0.00068%; no homozygotes.

Submission:

Labcorp Genetics (formerly Invitae), Labcorp
Classification: Uncertain significance. Last evaluated: 2021-08-26. Review status: criteria provided, single submitter. Criteria: Invitae Variant Classification Sherloc (09022015). Collection method: clinical testing. Allele origin: germline.
Comment: This sequence change replaces glycine with glutamic acid at codon 534 of the LCA5 protein (p.Gly534Glu). The glycine residue is moderately conserved and there is a moderate physicochemical difference between glycine and glutamic acid. This variant is not present in population databases (ExAC no frequency). This variant has not been reported in the literature in individuals affected with LCA5-related conditions. Algorithms developed to predict the effect of missense changes on protein structure and function output the following: SIFT: "Tolerated"; PolyPhen-2: "Benign"; Align-GVGD: "Class C0". The glutamic acid amino acid residue is found in multiple mammalian species, which suggests that this missense change does not adversely affect protein function. In summary, the available evidence is currently insufficient to determine the role of this variant in disease. Therefore, it has been classified as a Variant of Uncertain Significance.